The following is an entry in ClinVar:

NM_000094.4(COL7A1):c.1954A>T (p.Ile652Phe)

Gene: COL7A1 (collagen type VII alpha 1 chain; minus strand). Cytogenetic location: 3p21.31.
Variant type: single nucleotide variant.
Coding change: c.1954A>T on transcript NM_000094.4 (MANE Select); coding-DNA position 1954, A replaced by T.
Protein change: p.Ile652Phe; replaces isoleucine 652 with phenylalanine.
Molecular consequence: missense variant.
Genome position (GRCh38, 1-based): chr3:48,590,309, T>A on the plus strand (A>T on the coding strand, the complement: COL7A1 is on the minus strand). VCF-style: chr3-48590309-T-A. GRCh37 (hg19) VCF-style: chr3-48627742-T-A.
Other names: short protein forms I652F.
Identifiers: ClinVar variation 1476790 (VCV001476790.8), dbSNP rs754253382, ClinGen allele CA352726948.

ClinVar aggregate classification (germline): Uncertain significance (1 of 4 stars; one submission).

Submission:

Labcorp Genetics (formerly Invitae), Labcorp
Classification: Uncertain significance. Last evaluated: 2025-10-28. Review status: criteria provided, single submitter. Criteria: Invitae Variant Classification Sherloc (09022015). Collection method: clinical testing. Allele origin: germline.
Comment: This sequence change replaces isoleucine, which is neutral and non-polar, with phenylalanine, which is neutral and non-polar, at codon 652 of the COL7A1 protein (p.Ile652Phe). This variant is not present in population databases (gnomAD no frequency). This variant has not been reported in the literature in individuals affected with COL7A1-related conditions. ClinVar contains an entry for this variant (Variation ID: 1476790). Invitae Evidence Modeling of protein sequence and biophysical properties (such as structural, functional, and spatial information, amino acid conservation, physicochemical variation, residue mobility, and thermodynamic stability) indicates that this missense variant is not expected to disrupt COL7A1 protein function with a negative predictive value of 95%. In summary, the available evidence is currently insufficient to determine the role of this variant in disease. Therefore, it has been classified as a Variant of Uncertain Significance.